The following is an entry in ClinVar:

ClinVar aggregate classification (germline): Likely benign (1 of 4 stars; one submission).

Submission:

Molecular Diagnostic Laboratory for Inherited Cardiovascular Disease, Montreal Heart Institute
Classification: Likely benign. Last evaluated: 2025-04-09. Review status: criteria provided, single submitter. Criteria: ACMG Guidelines, 2015. Collection method: clinical testing. Allele origin: germline. Affected: no.
Comment: BP1

NM_001267550.2(TTN):c.5930T>A (p.Val1977Glu)

Gene: TTN (titin; minus strand). Cytogenetic location: 2q31.2.
Variant type: single nucleotide variant.
Coding change: c.5930T>A on transcript NM_001267550.2 (MANE Select); coding-DNA position 5930, T replaced by A.
Protein change: p.Val1977Glu; replaces valine 1977 with glutamic acid.
Molecular consequence: missense variant.
Genome position (GRCh38, 1-based): chr2:178,775,934, A>T on the plus strand (T>A on the coding strand, the complement: TTN is on the minus strand). VCF-style: chr2-178775934-A-T. GRCh37 (hg19) VCF-style: chr2-179640661-A-T.
Other names: c.5930T>A, p.Val1977Glu (NM_001256850.1, NM_133378.4, NM_133379.5); c.5792T>A, p.Val1931Glu (NM_003319.4, NM_133432.3, NM_133437.4); short protein forms V1931E, V1977E.
Identifiers: ClinVar variation 3895245 (VCV003895245.1).